The following is an entry in ClinVar:

ClinVar aggregate classification (germline): Uncertain significance (1 of 4 stars; one submission).

Submission:

Labcorp Genetics (formerly Invitae), Labcorp
Classification: Uncertain significance. Last evaluated: 2024-03-29. Review status: criteria provided, single submitter. Criteria: Invitae Variant Classification Sherloc (09022015). Collection method: clinical testing. Allele origin: germline.
Comment: This sequence change replaces glutamine, which is neutral and polar, with proline, which is neutral and non-polar, at codon 9 of the GRIA3 protein (p.Gln9Pro). This variant is not present in population databases (gnomAD no frequency). This variant has not been reported in the literature in individuals affected with GRIA3-related conditions. An algorithm developed to predict the effect of missense changes on protein structure and function (PolyPhen-2) suggests that this variant is likely to be tolerated. In summary, the available evidence is currently insufficient to determine the role of this variant in disease. Therefore, it has been classified as a Variant of Uncertain Significance.

NM_007325.5(GRIA3):c.26A>C (p.Gln9Pro)

Gene: GRIA3 (glutamate ionotropic receptor AMPA type subunit 3; plus strand). Cytogenetic location: Xq25.
Variant type: single nucleotide variant.
Coding change: c.26A>C on transcript NM_007325.5 (MANE Select); coding-DNA position 26, A replaced by C.
Protein change: p.Gln9Pro; replaces glutamine 9 with proline.
Molecular consequence: missense variant.
Genome position (GRCh38, 1-based): chrX:123,184,561, A>C. VCF-style: chrX-123184561-A-C. GRCh37 (hg19) VCF-style: chrX-122318413-A-C.
Other names: c.26A>C, p.Gln9Pro (NM_000828.5, NM_001256743.2); short protein forms Q9P.
Identifiers: ClinVar variation 2751680 (VCV002751680.3), dbSNP rs2520418095, ClinGen allele CA414254739.